The following is an entry in ClinVar:

ClinVar aggregate classification (germline): Uncertain significance. Review status: criteria provided, multiple submitters, no conflicts (2 of 4 stars). 2 submissions from 2 submitters: Uncertain significance (2). Last evaluated 2026-03-27.

Conditions:
Inborn genetic diseases. Identifiers: MedGen C0950123, MeSH D030342.
Cardiovascular phenotype. Identifiers: MedGen CN230736.

Allele frequency attached by ClinVar (database versions not stated): gnomAD 0.00002; TOPMed 0.00002.
gnomAD v4.1: 15 of 1,613,852 alleles (0.00093%); highest among the groups gnomAD compares: African/African-American, 0.0027%; no homozygotes.

Submissions (2):

Molecular Diagnostic Laboratory for Inherited Cardiovascular Disease, Montreal Heart Institute
Classification: Uncertain significance for Cardiovascular phenotype. Last evaluated: 2026-03-27. Review status: criteria provided, single submitter. Criteria: ACMG Guidelines, 2015. Collection method: clinical testing. Allele origin: germline. Affected: yes.
Comment: PM2

Ambry Genetics
Classification: Uncertain significance for Inborn genetic diseases. Last evaluated: 2022-01-03. Review status: criteria provided, single submitter. Criteria: Ambry Variant Classification Scheme 2023. Collection method: clinical testing. Allele origin: germline.

NM_006663.4(PPP1R13L):c.2254G>A (p.Glu752Lys)

Gene: PPP1R13L (protein phosphatase 1 regulatory subunit 13 like; minus strand). Cytogenetic location: 19q13.32.
Variant type: single nucleotide variant.
Coding change: c.2254G>A on transcript NM_006663.4 (MANE Select); coding-DNA position 2254, G replaced by A.
Protein change: p.Glu752Lys; replaces glutamic acid 752 with lysine.
Molecular consequence: missense variant.
Genome position (GRCh38, 1-based): chr19:45,382,721, C>T on the plus strand (G>A on the coding strand, the complement: PPP1R13L is on the minus strand). VCF-style: chr19-45382721-C-T. GRCh37 (hg19) VCF-style: chr19-45885979-C-T.
Other names: c.2254G>A, p.Glu752Lys (NM_001142502.2); short protein forms E752K.
Identifiers: ClinVar variation 2227930 (VCV002227930.3), dbSNP rs61324211, ClinGen allele CA9514100.